The following is an entry in ClinVar:

NM_000321.3(RB1):c.2119del (p.Ser707fs)

Gene: RB1 (RB transcriptional corepressor 1; plus strand). Cytogenetic location: 13q14.2.
Variant type: Deletion.
Coding change: c.2119del on transcript NM_000321.3 (MANE Select); coding-DNA position 2119, one base deleted (T; older notation c.2119delT).
Protein change: p.Ser707fs; shifts the reading frame from serine 707.
Molecular consequence: frameshift variant.
Genome position (GRCh38, 1-based): chr13:48,463,743, T deleted; the last of 2 consecutive T bases (chr13:48,463,742-48,463,743); deleting either gives the same sequence. VCF-style (leftmost placement, unchanged base first): chr13-48463741-GT-G. GRCh37 (hg19) VCF-style: chr13-49037877-GT-G.
Other names: c.2119del, p.Ser707fs (NM_001407165.1); short protein forms S707fs.
Identifiers: ClinVar variation 3237067 (VCV003237067.1), dbSNP rs2542373532.

ClinVar aggregate classification (germline): Pathogenic (1 of 4 stars; one submission).

Conditions:
Retinoblastoma (RB1). Also called: RETINOBLASTOMA, SOMATIC. Identifiers: Orphanet 790, MedGen C0035335, MeSH D012175, MONDO:0008380, OMIM 180200, HP:0009919. Disease mechanism: loss of function. Inheritance: Both sporadic and heritable forms are tested..

Submission:

Genetic Diagnostic Laboratory, University of Pennsylvania School of Medicine
Classification: Pathogenic for Retinoblastoma. Last evaluated: 2024-05-20. Review status: criteria provided, single submitter. Criteria: ACMG Guidelines, 2015. Collection method: clinical testing. Allele origin: germline. Affected: yes. Observed: 1 variant allele.
Comment: Case and Pedigree Information: BILATERAL CASES:1, UNILATERAL CASES:0, TOTAL CASES:1, PEDIGREES:1. ACMG Codes Applied:PVS1, PM2